The following is an entry in ClinVar:

NM_002150.3(HPD):c.198+3G>A

Genes: HPD (4-hydroxyphenylpyruvate dioxygenase; minus strand), TIALD (transcript inducer of AURKA lysosomal degradation; plus strand). Cytogenetic location: 12q24.31.
Variant type: single nucleotide variant.
Coding change: c.198+3G>A on transcript NM_002150.3 (MANE Select); 3 bases into the intron after coding-DNA position 198, G replaced by A.
Molecular consequence: intron variant.
Genome position (GRCh38, 1-based): chr12:121,857,325, C>T on the plus strand (G>A on the coding strand, the complement: HPD is on the minus strand). VCF-style: chr12-121857325-C-T. GRCh37 (hg19) VCF-style: chr12-122295231-C-T.
Other names: c.81+3G>A (NM_001171993.2).
Identifiers: ClinVar variation 2264431 (VCV002264431.4), dbSNP rs376112963, ClinGen allele CA6839794.

ClinVar aggregate classification (germline): Uncertain significance. Review status: criteria provided, multiple submitters, no conflicts (2 of 4 stars). 2 submissions from 2 submitters: Uncertain significance (2). Last evaluated 2023-03-04.

Conditions:
Inborn genetic diseases. Identifiers: MedGen C0950123, MeSH D030342.

Allele frequency attached by ClinVar (database versions not stated): gnomAD exomes 0.00001; ExAC 0.00005; ESP Exome Variant Server 0.00008; gnomAD 0.00011; TOPMed 0.00014; 1000 Genomes Project 30x 0.00016; 1000 Genomes Project 0.00020.
gnomAD v4.1: 43 of 1,603,608 alleles (0.0027%); highest among the groups gnomAD compares: African/African-American, 0.039%; no homozygotes.

Submissions (2):

Revvity Omics, Revvity
Classification: Uncertain significance. Last evaluated: 2023-03-04. Review status: criteria provided, single submitter. Criteria: ACMG Guidelines, 2015. Collection method: clinical testing. Allele origin: germline.

Ambry Genetics
Classification: Uncertain significance for Inborn genetic diseases. Last evaluated: 2022-01-31. Review status: criteria provided, single submitter. Criteria: Ambry Variant Classification Scheme 2023. Collection method: clinical testing. Allele origin: germline.
Comment: The c.198+3G>A intronic alteration consists of a G to A substitution 3 nucleotides after exon 4 of the HPD gene. Based on insufficient or conflicting evidence, the clinical significance of this alteration remains unclear.